The following is an entry in ClinVar:

ClinVar aggregate classification (germline): Conflicting classifications of pathogenicity. Review status: criteria provided, conflicting classifications (1 of 4 stars). 2 submissions from 2 submitters: Likely pathogenic (1); Uncertain significance (1). Last evaluated 2026-04-05.

Conditions:
Hereditary pheochromocytoma and paraganglioma. Also called: Hereditary paragangliomas and pheochromocytomas; Hereditary pheochromocytoma-paraganglioma; Hereditary Paraganglioma-Pheochromocytoma Syndromes. Identifiers: Orphanet 29072, MedGen C4274332, MONDO:0017366.
Hereditary cancer-predisposing syndrome. Also called: Tumor predisposition; Neoplastic Syndromes, Hereditary; Hereditary Cancer Syndrome; Hereditary neoplastic syndrome. Identifiers: Orphanet 140162, MedGen C0027672, MeSH D009386, MONDO:0015356.

Submissions (2):

Ambry Genetics
Classification: Likely pathogenic for Hereditary cancer-predisposing syndrome. Last evaluated: 2026-04-05. Review status: criteria provided, single submitter. Criteria: Ambry Variant Classification Scheme 2023. Collection method: clinical testing. Allele origin: germline.
Comment: The p.L46W variant (also known as c.137T>G), located in coding exon 3 of the MAX gene, results from a T to G substitution at nucleotide position 137. The leucine at codon 46 is replaced by tryptophan, an amino acid with similar properties. Based on internal structural analysis, this variant is anticipated to result in a significant decrease in structural stability (Brownlie P et al. Structure, 1997 Apr;5:509-20). This variant was reported in individual(s) with features consistent with MAX-related hereditary pheochromocytoma-paraganglioma (Ambry internal data). This amino acid position is highly conserved in available vertebrate species. In addition, this alteration is predicted to be deleterious by in silico analysis. Based on the majority of available evidence to date, this variant is likely to be pathogenic.

Labcorp Genetics (formerly Invitae), Labcorp
Classification: Uncertain significance for Hereditary pheochromocytoma and paraganglioma. Last evaluated: 2021-10-21. Review status: criteria provided, single submitter. Criteria: Invitae Variant Classification Sherloc (09022015). Collection method: clinical testing. Allele origin: germline.
Comment: In summary, the available evidence is currently insufficient to determine the role of this variant in disease. Therefore, it has been classified as a Variant of Uncertain Significance. Algorithms developed to predict the effect of missense changes on protein structure and function (SIFT, PolyPhen-2, Align-GVGD) all suggest that this variant is likely to be disruptive. This variant has not been reported in the literature in individuals affected with MAX-related conditions. This variant is not present in population databases (ExAC no frequency). This sequence change replaces leucine with tryptophan at codon 46 of the MAX protein (p.Leu46Trp). The leucine residue is highly conserved and there is a small physicochemical difference between leucine and tryptophan.

Literature cited by the submitters: PubMed 9115440 (cited by Ambry Genetics).

NM_002382.5(MAX):c.137T>G (p.Leu46Trp)

Genes: MAX (MYC associated transcriptional regulator X; minus strand), MAX-AS1 (MAX antisense RNA 1; plus strand). Cytogenetic location: 14q23.3.
Variant type: single nucleotide variant.
Coding change: c.137T>G on transcript NM_002382.5 (MANE Select); coding-DNA position 137, T replaced by G.
Protein change: p.Leu46Trp; replaces leucine 46 with tryptophan.
Molecular consequence: missense variant. On other transcripts: non-coding transcript variant (1), 5 prime UTR variant (1).
Genome position (GRCh38, 1-based): chr14:65,093,742, A>C on the plus strand (T>G on the coding strand, the complement: MAX is on the minus strand). VCF-style: chr14-65093742-A-C. GRCh37 (hg19) VCF-style: chr14-65560460-A-C.
Other names: c.110T>G, p.Leu37Trp (NM_001271068.2, NM_001271069.2, NM_001407095.1 and 9 more transcripts); c.-138T>G (NM_001320415.2, NM_001407105.1, NM_001407106.1 and 1 more transcripts); c.137T>G, p.Leu46Trp (NM_001407094.1, NM_001407096.1, NM_001407097.1 and 5 more transcripts); c.-231T>G (NM_001407111.1, NM_001407112.1); c.160T>G, p.Cys54Gly (NM_001407114.1); short protein forms L46W, L37W, C54G.
Identifiers: ClinVar variation 1473327 (VCV001473327.8), dbSNP rs2139883766, ClinGen allele CA390037666.